The following is an entry in ClinVar:

NM_130839.5(UBE3A):c.2280+17C>T

Genes: SNHG14 (small nucleolar RNA host gene 14; plus strand), UBE3A (ubiquitin protein ligase E3A; minus strand). Cytogenetic location: 15q11.2.
Variant type: single nucleotide variant.
Coding change: c.2280+17C>T on transcript NM_130839.5 (MANE Select); 17 bases into the intron after coding-DNA position 2280, C replaced by T.
Molecular consequence: intron variant.
Genome position (GRCh38, 1-based): chr15:25,354,511, G>A on the plus strand (C>T on the coding strand, the complement: UBE3A is on the minus strand). VCF-style: chr15-25354511-G-A. GRCh37 (hg19) VCF-style: chr15-25599658-G-A.
Other names: c.2103+17C>T (NM_001354546.2); c.969+17C>T (NM_001354551.2); c.2055+17C>T (NM_001354549.2); c.2065-85C>T (NM_001354548.2, NM_001354547.2); c.2220+17C>T (NM_130838.4, NM_001354542.2, NM_001354523.2 and 14 more transcripts); c.1029+17C>T (NM_001354550.2); c.2125-85C>T (NM_001354545.2); c.2280+17C>T (NM_001354538.2, NM_001354505.1); and 1 more.
Identifiers: ClinVar variation 379814 (VCV000379814.8), dbSNP rs767903684, ClinGen allele CA7435410.

ClinVar aggregate classification (germline): Likely benign. Review status: criteria provided, multiple submitters, no conflicts (2 of 4 stars). 2 submissions from 2 submitters: Likely benign (2). Last evaluated 2024-07-29.

Conditions:
Angelman syndrome (AS). Also called: HAPPY PUPPET SYNDROME. Identifiers: Orphanet 72, MedGen C0162635, MONDO:0007113, OMIM 105830. Disease mechanism: loss of function. Inheritance: imprinting disorder, AS is caused by disruption of maternally imprinted UBE3A located within the 15q11.2-q13 Angelman syndrome/Prader-Willi syndrome (AS/PWS) region..

Allele frequency attached by ClinVar (database versions not stated): gnomAD exomes 0.00002 and 0.00001; TOPMed 0.00001; ExAC 0.00002; gnomAD 0.00001.
gnomAD v4.1: 34 of 1,613,762 alleles (0.0021%); highest among the groups gnomAD compares: Non-Finnish European, 0.0028%; no homozygotes.

Submissions (2):

Labcorp Genetics (formerly Invitae), Labcorp
Classification: Likely benign for Angelman syndrome. Last evaluated: 2024-07-29. Review status: criteria provided, single submitter. Criteria: Invitae Variant Classification Sherloc (09022015). Collection method: clinical testing. Allele origin: germline.

GeneDx
Classification: Likely benign. Last evaluated: 2016-06-15. Review status: criteria provided, single submitter. Criteria: GeneDx Variant Classification (06012015). Collection method: clinical testing. Allele origin: germline. Affected: yes.
Comment: This variant is considered likely benign or benign based on one or more of the following criteria: it is a conservative change, it occurs at a poorly conserved position in the protein, it is predicted to be benign by multiple in silico algorithms, and/or has population frequency not consistent with disease.